The following is an entry in ClinVar:

ClinVar aggregate classification (germline): Uncertain significance (1 of 4 stars; one submission).

gnomAD v4.1: 1 of 1,614,222 alleles (0.000062%); highest among the groups gnomAD compares: Non-Finnish European, 0.000085%; no homozygotes.

Submission:

Ambry Genetics
Classification: Uncertain significance. Last evaluated: 2024-03-30. Review status: criteria provided, single submitter. Criteria: Ambry Variant Classification Scheme 2023. Collection method: clinical testing. Allele origin: germline.
Comment: The p.F576V variant (also known as c.1726T>G), located in coding exon 10 of the GALNT12 gene, results from a T to G substitution at nucleotide position 1726. The phenylalanine at codon 576 is replaced by valine, an amino acid with highly similar properties. This amino acid position is conserved. In addition, the in silico prediction for this alteration is inconclusive. Based on the available evidence, the clinical significance of this alteration remains unclear.

NM_024642.5(GALNT12):c.1726T>G (p.Phe576Val)

Gene: GALNT12 (polypeptide N-acetylgalactosaminyltransferase 12; plus strand). Cytogenetic location: 9q22.33.
Variant type: single nucleotide variant.
Coding change: c.1726T>G on transcript NM_024642.5 (MANE Select); coding-DNA position 1726, T replaced by G.
Protein change: p.Phe576Val; replaces phenylalanine 576 with valine.
Molecular consequence: missense variant.
Genome position (GRCh38, 1-based): chr9:98,849,072, T>G. VCF-style: chr9-98849072-T-G. GRCh37 (hg19) VCF-style: chr9-101611354-T-G.
Other names: short protein forms F576V.
Identifiers: ClinVar variation 3280567 (VCV003280567.1).